The following is an entry in ClinVar:

ClinVar aggregate classification (germline): Pathogenic (1 of 4 stars; one submission).

Submission:

Labcorp Genetics (formerly Invitae), Labcorp
Classification: Pathogenic. Last evaluated: 2024-05-02. Review status: criteria provided, single submitter. Criteria: Invitae Variant Classification Sherloc (09022015). Collection method: clinical testing. Allele origin: germline.
Comment: This sequence change creates a premature translational stop signal (p.Arg690Glyfs*7) in the COL9A1 gene. It is expected to result in an absent or disrupted protein product. Loss-of-function variants in COL9A1 are known to be pathogenic (PMID: 16909383, 21421862). This variant is not present in population databases (gnomAD no frequency). This variant has not been reported in the literature in individuals affected with COL9A1-related conditions. For these reasons, this variant has been classified as Pathogenic.

Literature cited by the submitters: PubMed 16909383; PubMed 21421862.

NM_001851.6(COL9A1):c.2068del (p.Arg690fs)

Gene: COL9A1 (collagen type IX alpha 1 chain; minus strand). Cytogenetic location: 6q13.
Variant type: Deletion.
Coding change: c.2068del on transcript NM_001851.6 (MANE Select); coding-DNA position 2068, one base deleted (A; older notation c.2068delA).
Protein change: p.Arg690fs; shifts the reading frame from arginine 690.
Molecular consequence: frameshift variant. On other transcripts: non-coding transcript variant (1).
Genome position (GRCh38, 1-based): chr6:70,240,700, T deleted on the plus strand (A on the coding strand, the reverse complement: COL9A1 is on the minus strand); the first of 3 consecutive T bases (chr6:70,240,700-70,240,702); deleting any one gives the same sequence. VCF-style (leftmost placement, unchanged base first): chr6-70240699-CT-C. GRCh37 (hg19) VCF-style: chr6-70950402-CT-C.
Other names: c.1369del, p.Arg457fs (NM_001377289.1); c.1339del, p.Arg447fs (NM_001377290.1, NM_078485.4); short protein forms R690fs, R447fs, R457fs.
Identifiers: ClinVar variation 3631911 (VCV003631911.2).